The following is an entry in ClinVar:

NM_001458.5(FLNC):c.850+18G>A

Gene: FLNC (filamin C; plus strand). Cytogenetic location: 7q32.1.
Variant type: single nucleotide variant.
Coding change: c.850+18G>A on transcript NM_001458.5 (MANE Select); 18 bases into the intron after coding-DNA position 850, G replaced by A.
Molecular consequence: intron variant.
Genome position (GRCh38, 1-based): chr7:128,837,566, G>A. VCF-style: chr7-128837566-G-A. GRCh37 (hg19) VCF-style: chr7-128477620-G-A.
Other names: c.850+18G>A (NM_001127487.2).
Identifiers: ClinVar variation 258154 (VCV000258154.16), dbSNP rs55907818, ClinGen allele CA4474135.

ClinVar aggregate classification (germline): Benign. Review status: criteria provided, multiple submitters, no conflicts (2 of 4 stars). 8 submissions from 8 submitters: Benign (6). 2 of the submissions do not count toward it. Last evaluated 2026-02-04.

Conditions:
Myofibrillar myopathy 5. Also called: Filaminopathy (type); FILAMINOPATHY, AUTOSOMAL DOMINANT. Identifiers: Orphanet 171445, MedGen C1836050, MONDO:0012289, OMIM 609524.
Distal myopathy with posterior leg and anterior hand involvement. Also called: WILLIAMS DISTAL MYOPATHY. Identifiers: Orphanet 63273, MedGen C3279722, MONDO:0013550, OMIM 614065.
Hypertrophic cardiomyopathy 26. Also called: Cardiomyopathy, familial hypertrophic, 26. Identifiers: Orphanet 75249, MedGen C4310749, MONDO:0014883, OMIM 617047.

Allele frequency attached by ClinVar (database versions not stated): 1000 Genomes Project 30x 0.07667; 1000 Genomes Project 0.07688; gnomAD exomes 0.07893 and 0.08576; TOPMed 0.08034; gnomAD 0.08058 and 0.08062; ExAC 0.08132; ESP Exome Variant Server 0.08578.
gnomAD v4.1: 137,675 of 1,613,974 alleles (8.5%); highest among the groups gnomAD compares: East Asian, 9.3%; 6,000 homozygotes.

Submissions (8):

Labcorp Genetics (formerly Invitae), Labcorp
Classification: Benign for Distal myopathy with posterior leg and anterior hand involvement; Myofibrillar myopathy 5; Hypertrophic cardiomyopathy 26. Last evaluated: 2026-02-04. Review status: criteria provided, single submitter. Criteria: Invitae Variant Classification Sherloc (09022015). Collection method: clinical testing. Allele origin: germline.

Blueprint Genetics
Classification: Benign. Last evaluated: 2024-11-27. Review status: criteria provided, single submitter. Criteria: ACMG Guidelines, 2015. Collection method: clinical testing. Allele origin: germline.

Women's Health and Genetics/Laboratory Corporation of America, LabCorp
Classification: Benign. Last evaluated: 2023-04-04. Review status: criteria provided, single submitter. Criteria: LabCorp Variant Classification Summary - May 2015. Collection method: clinical testing. Allele origin: germline.

GeneDx
Classification: Benign. Last evaluated: 2016-02-08. Review status: criteria provided, single submitter. Criteria: GeneDx Variant Classification (06012015). Collection method: clinical testing. Allele origin: germline. Affected: yes.
Comment: This variant is considered likely benign or benign based on one or more of the following criteria: it is a conservative change, it occurs at a poorly conserved position in the protein, it is predicted to be benign by multiple in silico algorithms, and/or has population frequency not consistent with disease.

PreventionGenetics, part of Exact Sciences
Classification: Benign. Last evaluated: 2016-01-08. Review status: criteria provided, single submitter. Criteria: ACMG Guidelines, 2015. Collection method: clinical testing. Allele origin: germline.

Breakthrough Genomics
Classification: Benign. Review status: criteria provided, single submitter. Criteria: ACMG Guidelines, 2015. Collection method: not provided. Allele origin: germline. Inheritance: Autosomal dominant inheritance. Affected: yes.

Clinical Genetics, Academic Medical Center
Classification: Benign. Review status: no assertion criteria provided. Collection method: clinical testing. Allele origin: germline. Affected: yes. Study: VKGL Data-share Consensus. Not counted in ClinVar's aggregate classification.

Joint Genome Diagnostic Labs from Nijmegen and Maastricht, Radboudumc and MUMC+
Classification: Benign. Review status: no assertion criteria provided. Collection method: clinical testing. Allele origin: germline. Affected: yes. Study: VKGL Data-share Consensus. Not counted in ClinVar's aggregate classification.